The following is an entry in ClinVar:

ClinVar aggregate classification (germline): Benign/Likely benign. Review status: criteria provided, multiple submitters, no conflicts (2 of 4 stars). 4 submissions from 4 submitters: Benign (2); Likely benign (2). Last evaluated 2026-05-13.

Conditions:
Metaphyseal chondrodysplasia, Schmid type (MCDS). Also called: SPONDYLOMETAPHYSEAL DYSPLASIA, JAPANESE TYPE. Identifiers: Orphanet 174, MedGen C0265289, MONDO:0007983, OMIM 156500.

Allele frequency attached by ClinVar (database versions not stated): gnomAD 0.00021 and 0.00027; TOPMed 0.00039; ExAC 0.00082; gnomAD exomes 0.00083; 1000 Genomes Project 30x 0.00141; 1000 Genomes Project 0.00160.
gnomAD v4.1: 425 of 1,612,662 alleles (0.026%); highest among the groups gnomAD compares: East Asian, 0.92%; 1 homozygote.

Submissions (4):

Women's Health and Genetics/Laboratory Corporation of America, LabCorp
Classification: Likely benign. Last evaluated: 2026-05-13. Review status: criteria provided, single submitter. Criteria: LabCorp Variant Classification Summary - May 2015. Collection method: clinical testing. Allele origin: germline.

Labcorp Genetics (formerly Invitae), Labcorp
Classification: Benign. Last evaluated: 2025-05-09. Review status: criteria provided, single submitter. Criteria: Invitae Variant Classification Sherloc (09022015). Collection method: clinical testing. Allele origin: germline.

Blueprint Genetics
Classification: Likely benign. Last evaluated: 2024-09-18. Review status: criteria provided, single submitter. Criteria: ACMG Guidelines, 2015. Collection method: clinical testing. Allele origin: germline.

Illumina Laboratory Services, Illumina
Classification: Benign for Metaphyseal chondrodysplasia, Schmid type. Last evaluated: 2018-01-12. Review status: criteria provided, single submitter. Criteria: ICSL Variant Classification Criteria 13 December 2019. Collection method: clinical testing. Allele origin: germline.
Comment: This variant was observed in the ICSL laboratory as part of a predisposition screen in an ostensibly healthy population. It had not been previously curated by ICSL or reported in the Human Gene Mutation Database (HGMD: prior to June 1st, 2018), and was therefore a candidate for classification through an automated scoring system. Utilizing variant allele frequency, disease prevalence and penetrance estimates, and inheritance mode, an automated score was calculated to assess if this variant is too frequent to cause the disease. Based on the score and internal cut-off values, a variant classified as benign is not then subjected to further curation. The score for this variant resulted in a classification of benign for this disease.

NM_000493.4(COL10A1):c.1350T>C (p.Thr450=)

Genes: COL10A1 (collagen type X alpha 1 chain; minus strand), NT5DC1 (5'-nucleotidase domain containing 1; plus strand). Cytogenetic location: 6q22.1.
Variant type: single nucleotide variant.
Coding change: c.1350T>C on transcript NM_000493.4 (MANE Select); coding-DNA position 1350, T replaced by C.
Protein change: p.Thr450=; no amino-acid change (threonine 450 retained).
Molecular consequence: synonymous variant. On other transcripts: intron variant (1).
Genome position (GRCh38, 1-based): chr6:116,120,766, A>G on the plus strand (T>C on the coding strand, the complement: COL10A1 is on the minus strand). VCF-style: chr6-116120766-A-G. GRCh37 (hg19) VCF-style: chr6-116441929-A-G.
Other names: c.1350T>C, p.Thr450= (NM_001424106.1, NM_001424107.1); c.529+2821A>G (NM_152729.3).
Identifiers: ClinVar variation 355094 (VCV000355094.14), dbSNP rs139846596, ClinGen allele CA3968194.